The following is an entry in ClinVar:

ClinVar aggregate classification (germline): Uncertain significance. Review status: criteria provided, multiple submitters, no conflicts (2 of 4 stars). 2 submissions from 2 submitters: Uncertain significance (2). Last evaluated 2024-11-13.

Conditions:
Cornelia de Lange syndrome 5 (CDLS5). Also called: HDAC8-Related Cornelia de Lange Syndrome. Identifiers: Orphanet 199, MedGen C3550903, MONDO:0010471, OMIM 300882.

Submissions (2):

GeneDx
Classification: Uncertain significance. Last evaluated: 2024-11-13. Review status: criteria provided, single submitter. Criteria: GeneDx Variant Classification Process June 2021. Collection method: clinical testing. Allele origin: germline. Affected: yes.
Comment: Not observed at significant frequency in large population cohorts (gnomAD); In silico analysis indicates that this missense variant does not alter protein structure/function; Has not been previously published as pathogenic or benign to our knowledge

Labcorp Genetics (formerly Invitae), Labcorp
Classification: Uncertain significance for Cornelia de Lange syndrome 5. Last evaluated: 2024-09-03. Review status: criteria provided, single submitter. Criteria: Invitae Variant Classification Sherloc (09022015). Collection method: clinical testing. Allele origin: germline.
Comment: This sequence change replaces lysine, which is basic and polar, with glutamic acid, which is acidic and polar, at codon 258 of the HDAC8 protein (p.Lys258Glu). This variant is not present in population databases (gnomAD no frequency). This variant has not been reported in the literature in individuals affected with HDAC8-related conditions. Invitae Evidence Modeling of protein sequence and biophysical properties (such as structural, functional, and spatial information, amino acid conservation, physicochemical variation, residue mobility, and thermodynamic stability) indicates that this missense variant is not expected to disrupt HDAC8 protein function with a negative predictive value of 80%. In summary, the available evidence is currently insufficient to determine the role of this variant in disease. Therefore, it has been classified as a Variant of Uncertain Significance.

NM_018486.3(HDAC8):c.772A>G (p.Lys258Glu)

Gene: HDAC8 (histone deacetylase 8; minus strand). Cytogenetic location: Xq13.1.
Variant type: single nucleotide variant.
Coding change: c.772A>G on transcript NM_018486.3 (MANE Select); coding-DNA position 772, A replaced by G.
Protein change: p.Lys258Glu; replaces lysine 258 with glutamic acid.
Molecular consequence: missense variant. On other transcripts: non-coding transcript variant (1).
Genome position (GRCh38, 1-based): chrX:72,464,697, T>C on the plus strand (A>G on the coding strand, the complement: HDAC8 is on the minus strand). VCF-style: chrX-72464697-T-C. GRCh37 (hg19) VCF-style: chrX-71684547-T-C.
Other names: c.499A>G, p.Lys167Glu (NM_001166418.2, NM_001410728.1); c.772A>G, p.Lys258Glu (NM_001410725.1, NM_001410729.1); c.694A>G, p.Lys232Glu (NM_001410727.1); c.772A>G (NM_018486.2); short protein forms K167E, K258E, K232E.
Identifiers: ClinVar variation 3680820 (VCV003680820.3).